The following is an entry in ClinVar:

ClinVar aggregate classification (germline): Uncertain significance. Review status: criteria provided, multiple submitters, no conflicts (2 of 4 stars). 2 submissions from 2 submitters: Uncertain significance (2). Last evaluated 2023-02-14.

Conditions:
Hajdu-Cheney syndrome (HJCYS). Also called: Acroosteolysis dominant type; ACROOSTEOLYSIS WITH OSTEOPOROSIS AND CHANGES IN SKULL AND MANDIBLE; SERPENTINE FIBULA-POLYCYSTIC KIDNEY SYNDROME. Identifiers: Orphanet 955, MedGen C0917715, MONDO:0007057, OMIM 102500.

Allele frequency attached by ClinVar (database versions not stated): TOPMed below 0.00001; ExAC 0.00001; gnomAD 0.00001.
gnomAD v4.1: 7 of 1,612,948 alleles (0.00043%); highest among the groups gnomAD compares: Admixed American, 0.0017%; no homozygotes.

Submissions (2):

Labcorp Genetics (formerly Invitae), Labcorp
Classification: Uncertain significance for Hajdu-Cheney syndrome. Last evaluated: 2023-02-14. Review status: criteria provided, single submitter. Criteria: Invitae Variant Classification Sherloc (09022015). Collection method: clinical testing. Allele origin: germline.
Comment: This sequence change replaces arginine, which is basic and polar, with cysteine, which is neutral and slightly polar, at codon 1393 of the NOTCH2 protein (p.Arg1393Cys). This variant is present in population databases (rs760072707, gnomAD 0.003%). This variant has not been reported in the literature in individuals affected with NOTCH2-related conditions. ClinVar contains an entry for this variant (Variation ID: 500863). Advanced modeling of protein sequence and biophysical properties (such as structural, functional, and spatial information, amino acid conservation, physicochemical variation, residue mobility, and thermodynamic stability) performed at Invitae indicates that this missense variant is not expected to disrupt NOTCH2 protein function. In summary, the available evidence is currently insufficient to determine the role of this variant in disease. Therefore, it has been classified as a Variant of Uncertain Significance.

Eurofins Ntd Llc (ga)
Classification: Uncertain significance. Last evaluated: 2017-03-14. Review status: criteria provided, single submitter. Criteria: EGL Classification Definitions 2015. Collection method: clinical testing. Allele origin: germline. Observed: 1 variant allele, 1 heterozygote.

NM_024408.4(NOTCH2):c.4177C>T (p.Arg1393Cys)

Gene: NOTCH2 (notch receptor 2; minus strand). Cytogenetic location: 1p12.
Variant type: single nucleotide variant.
Coding change: c.4177C>T on transcript NM_024408.4 (MANE Select); coding-DNA position 4177, C replaced by T.
Protein change: p.Arg1393Cys; replaces arginine 1393 with cysteine.
Molecular consequence: missense variant.
Genome position (GRCh38, 1-based): chr1:119,925,639, G>A on the plus strand (C>T on the coding strand, the complement: NOTCH2 is on the minus strand). VCF-style: chr1-119925639-G-A. GRCh37 (hg19) VCF-style: chr1-120468262-G-A.
Other names: short protein forms R1393C.
Identifiers: ClinVar variation 500863 (VCV000500863.13), dbSNP rs760072707, ClinGen allele CA1039900.